The following is an entry in ClinVar:

NM_194248.3(OTOF):c.2690G>A (p.Arg897Gln)

Gene: OTOF (otoferlin; minus strand). Cytogenetic location: 2p23.3.
Variant type: single nucleotide variant.
Coding change: c.2690G>A on transcript NM_194248.3 (MANE Select); coding-DNA position 2690, G replaced by A.
Protein change: p.Arg897Gln; replaces arginine 897 with glutamine.
Molecular consequence: missense variant.
Genome position (GRCh38, 1-based): chr2:26,476,304, C>T on the plus strand (G>A on the coding strand, the complement: OTOF is on the minus strand). VCF-style: chr2-26476304-C-T. GRCh37 (hg19) VCF-style: chr2-26699172-C-T.
Other names: c.2690G>A, p.Arg897Gln (NM_001287489.2); c.449G>A, p.Arg150Gln (NM_004802.4, NM_194323.3); c.620G>A, p.Arg207Gln (NM_194322.3); short protein forms R897Q, R207Q, R150Q.
Identifiers: ClinVar variation 291164 (VCV000291164.26), dbSNP rs760896684, ClinGen allele CA1563795.

ClinVar aggregate classification (germline): Conflicting classifications of pathogenicity. Review status: criteria provided, conflicting classifications (1 of 4 stars). 4 submissions from 4 submitters: Uncertain significance (3); Likely benign (1). Last evaluated 2024-11-01.

Allele frequency attached by ClinVar (database versions not stated): gnomAD 0.00001; TOPMed 0.00002; gnomAD exomes 0.00004 and 0.00007; ExAC 0.00005.
gnomAD v4.1: 26 of 1,604,204 alleles (0.0016%); highest among the groups gnomAD compares: Admixed American, 0.032%; no homozygotes.

Submissions (4):

CeGaT Center for Human Genetics Tuebingen
Classification: Uncertain significance. Last evaluated: 2024-11-01. Review status: criteria provided, single submitter. Criteria: CeGaT Center For Human Genetics Tuebingen Variant Classification Criteria Version 2. Collection method: clinical testing. Allele origin: germline. Affected: yes. Observed: 1 variant allele.
Comment: OTOF: PM2

Labcorp Genetics (formerly Invitae), Labcorp
Classification: Likely benign. Last evaluated: 2023-11-14. Review status: criteria provided, single submitter. Criteria: Invitae Variant Classification Sherloc (09022015). Collection method: clinical testing. Allele origin: germline.

GeneDx
Classification: Uncertain significance. Last evaluated: 2019-03-01. Review status: criteria provided, single submitter. Criteria: GeneDx Variant Classification Process June 2021. Collection method: clinical testing. Allele origin: germline. Affected: yes.
Comment: In silico analysis, which includes protein predictors and evolutionary conservation, supports that this variant does not alter protein structure/function; Has not been previously published as pathogenic or benign to our knowledge

Eurofins Ntd Llc (ga)
Classification: Uncertain significance. Last evaluated: 2016-09-19. Review status: criteria provided, single submitter. Criteria: EGL Classification Definitions 2015. Collection method: clinical testing. Allele origin: germline. Observed: 1 variant allele, 1 heterozygote.